The following is an entry in ClinVar:

NM_001082486.2(ACD):c.443T>C (p.Leu148Pro)

Gene: ACD (ACD shelterin complex subunit and telomerase recruitment factor; minus strand). Cytogenetic location: 16q22.1.
Variant type: single nucleotide variant.
Coding change: c.443T>C on transcript NM_001082486.2 (MANE Select); coding-DNA position 443, T replaced by C.
Protein change: p.Leu148Pro; replaces leucine 148 with proline.
Molecular consequence: missense variant.
Genome position (GRCh38, 1-based): chr16:67,659,390, A>G on the plus strand (T>C on the coding strand, the complement: ACD is on the minus strand). VCF-style: chr16-67659390-A-G. GRCh37 (hg19) VCF-style: chr16-67693293-A-G.
Other names: c.443T>C, p.Leu148Pro (NM_001410884.1); c.434T>C, p.Leu145Pro (NM_022914.3); short protein forms L145P, L148P.
Identifiers: ClinVar variation 2112160 (VCV002112160.4), dbSNP rs2543606798, ClinGen allele CA396354813.

ClinVar aggregate classification (germline): Uncertain significance (1 of 4 stars; one submission).

Conditions:
Dyskeratosis congenita, autosomal dominant 6 (DKCA6). Identifiers: Orphanet 3322, MedGen C4225284, MONDO:0014690, OMIM 616553.

Submission:

Labcorp Genetics (formerly Invitae), Labcorp
Classification: Uncertain significance for Dyskeratosis congenita, autosomal dominant 6. Last evaluated: 2022-03-14. Review status: criteria provided, single submitter. Criteria: Invitae Variant Classification Sherloc (09022015). Collection method: clinical testing. Allele origin: germline.
Comment: This variant is not present in population databases (gnomAD no frequency). This sequence change replaces leucine, which is neutral and non-polar, with proline, which is neutral and non-polar, at codon 234 of the ACD protein (p.Leu234Pro). This variant has not been reported in the literature in individuals affected with ACD-related conditions. In summary, the available evidence is currently insufficient to determine the role of this variant in disease. Therefore, it has been classified as a Variant of Uncertain Significance. Algorithms developed to predict the effect of missense changes on protein structure and function (SIFT, PolyPhen-2, Align-GVGD) all suggest that this variant is likely to be disruptive.